The following is an entry in ClinVar:

NM_001134407.3(GRIN2A):c.4019A>G (p.Lys1340Arg)

Gene: GRIN2A (glutamate ionotropic receptor NMDA type subunit 2A; minus strand). Cytogenetic location: 16p13.2.
Variant type: single nucleotide variant.
Coding change: c.4019A>G on transcript NM_001134407.3 (MANE Select); coding-DNA position 4019, A replaced by G.
Protein change: p.Lys1340Arg; replaces lysine 1340 with arginine.
Molecular consequence: missense variant. On other transcripts: intron variant (1).
Genome position (GRCh38, 1-based): chr16:9,763,525, T>C on the plus strand (A>G on the coding strand, the complement: GRIN2A is on the minus strand). VCF-style: chr16-9763525-T-C. GRCh37 (hg19) VCF-style: chr16-9857382-T-C.
Other names: c.4019A>G, p.Lys1340Arg (NM_000833.5); c.3773-97A>G (NM_001134408.2); short protein forms K1340R.
Identifiers: ClinVar variation 998618 (VCV000998618.10), dbSNP rs1411064283, ClinGen allele CA394706302.

ClinVar aggregate classification (germline): Likely benign. Review status: criteria provided, multiple submitters, no conflicts (2 of 4 stars). 2 submissions from 2 submitters: Likely benign (2). Last evaluated 2025-12-09.

Conditions:
Landau-Kleffner syndrome (FESD). Also called: EPILEPSY, FOCAL, WITH SPEECH DISORDER AND WITH OR WITHOUT MENTAL RETARDATION; APHASIA, ACQUIRED, WITH EPILEPSY. Identifiers: Orphanet 1945, Orphanet 725, Orphanet 98818, MedGen C0282512, MONDO:0009509, OMIM 245570.

Allele frequency attached by ClinVar (database versions not stated): gnomAD exomes 0.00001; TOPMed below 0.00001.
gnomAD v4.1: 3 of 1,613,988 alleles (0.00019%); highest among the groups gnomAD compares: Admixed American, 0.005%; no homozygotes.

Submissions (2):

Women's Health and Genetics/Laboratory Corporation of America, LabCorp
Classification: Likely benign. Last evaluated: 2025-12-09. Review status: criteria provided, single submitter. Criteria: LabCorp Variant Classification Summary - May 2015. Collection method: clinical testing. Allele origin: germline.
Comment: Variant summary: GRIN2A c.4019A>G (p.Lys1340Arg) results in a conservative amino acid change in the encoded protein sequence. Algorithms developed to predict the effect of missense changes on protein structure and function are either unavailable or do not agree on the potential impact of this missense change. The variant allele was found at a frequency of 1.2e-05 in 251250 control chromosomes. The available data on variant occurrences in the general population are insufficient to allow any conclusion about variant significance. To our knowledge, no occurrence of c.4019A>G in individuals affected with GRIN2A-related conditions and no experimental evidence demonstrating its impact on protein function have been reported. ClinVar contains an entry for this variant (Variation ID: 998618). Based on the evidence outlined above, the variant was classified as likely benign.

Labcorp Genetics (formerly Invitae), Labcorp
Classification: Likely benign for Landau-Kleffner syndrome. Last evaluated: 2024-11-27. Review status: criteria provided, single submitter. Criteria: Invitae Variant Classification Sherloc (09022015). Collection method: clinical testing. Allele origin: germline.